The following is an entry in ClinVar:

ClinVar aggregate classification (germline): Pathogenic (1 of 4 stars; one submission).

Conditions:
Cataract 18 (CATC2). Also called: CATARACT 18, AUTOSOMAL RECESSIVE. Identifiers: Orphanet 91492, Orphanet 98991, Orphanet 98992, Orphanet 98995, MedGen C1864908, MONDO:0012395, OMIM 610019.

Submission:

Labcorp Genetics (formerly Invitae), Labcorp
Classification: Pathogenic for Cataract 18. Last evaluated: 2025-06-11. Review status: criteria provided, single submitter. Criteria: Invitae Variant Classification Sherloc (09022015). Collection method: clinical testing. Allele origin: germline.
Comment: This sequence change creates a premature translational stop signal (p.Ala443Profs*7) in the FYCO1 gene. It is expected to result in an absent or disrupted protein product. Loss-of-function variants in FYCO1 are known to be pathogenic (PMID: 21636066). This variant is present in population databases (rs768071264, gnomAD 0.0009%). This variant has not been reported in the literature in individuals affected with FYCO1-related conditions. For these reasons, this variant has been classified as Pathogenic.

Literature cited by the submitters: PubMed 21636066.

NM_024513.4(FYCO1):c.1327del (p.Ala443fs)

Gene: FYCO1 (FYVE and coiled-coil domain autophagy adaptor 1; minus strand). Cytogenetic location: 3p21.31.
Variant type: Deletion.
Coding change: c.1327del on transcript NM_024513.4 (MANE Select); coding-DNA position 1327, one base deleted (G; older notation c.1327delG).
Protein change: p.Ala443fs; shifts the reading frame from alanine 443.
Molecular consequence: frameshift variant. On other transcripts: non-coding transcript variant (1).
Genome position (GRCh38, 1-based): chr3:45,968,007, C deleted on the plus strand (G on the coding strand, the reverse complement: FYCO1 is on the minus strand); the first of 3 consecutive C bases (chr3:45,968,007-45,968,009); deleting any one gives the same sequence. VCF-style (leftmost placement, unchanged base first): chr3-45968006-GC-G. GRCh37 (hg19) VCF-style: chr3-46009498-GC-G.
Other names: c.1327del, p.Ala443fs (NM_001386421.1, NM_001386422.1, NM_001386423.1 and 4 more transcripts); c.1207del, p.Ala403fs (NM_001386426.1); c.1183del, p.Ala395fs (NM_001386427.1); c.727del, p.Ala243fs (NM_001386430.1); short protein forms A403fs, A443fs, A243fs, A395fs.
Identifiers: ClinVar variation 4747891 (VCV004747891.1).